The following is an entry in ClinVar:

NM_207037.2(TCF12):c.373G>A (p.Gly125Arg)

Gene: TCF12 (transcription factor 12; plus strand). Cytogenetic location: 15q21.3.
Variant type: single nucleotide variant.
Coding change: c.373G>A on transcript NM_207037.2 (MANE Select); coding-DNA position 373, G replaced by A.
Protein change: p.Gly125Arg; replaces glycine 125 with arginine.
Molecular consequence: missense variant. On other transcripts: 5 prime UTR variant (1).
Genome position (GRCh38, 1-based): chr15:57,166,449, G>A. VCF-style: chr15-57166449-G-A. GRCh37 (hg19) VCF-style: chr15-57458647-G-A.
Other names: c.373G>A, p.Gly125Arg (NM_001322151.2, NM_001322152.2, NM_001322157.3 and 7 more transcripts); c.-280G>A (NM_001322154.2); c.199G>A, p.Gly67Arg (NM_001322156.2, NM_001322158.2); c.409G>A, p.Gly137Arg (NM_001322164.2); short protein forms G125R, G137R, G67R.
Identifiers: ClinVar variation 4687094 (VCV004687094.1).

ClinVar aggregate classification (germline): Uncertain significance (1 of 4 stars; one submission).

Submission:

GeneDx
Classification: Uncertain significance. Last evaluated: 2025-07-26. Review status: criteria provided, single submitter. Criteria: GeneDx Variant Classification Process June 2021. Collection method: clinical testing. Allele origin: germline. Affected: yes.
Comment: Not observed at significant frequency in large population cohorts (gnomAD); In silico analysis supports that this missense variant has a deleterious effect on protein structure/function; Has not been previously published as pathogenic or benign to our knowledge